The following is an entry in ClinVar:

NM_014795.4(ZEB2):c.3353C>T (p.Pro1118Leu)

Gene: ZEB2 (zinc finger E-box binding homeobox 2; minus strand). Cytogenetic location: 2q22.3.
Variant type: single nucleotide variant.
Coding change: c.3353C>T on transcript NM_014795.4 (MANE Select); coding-DNA position 3353, C replaced by T.
Protein change: p.Pro1118Leu; replaces proline 1118 with leucine.
Molecular consequence: missense variant.
Genome position (GRCh38, 1-based): chr2:144,389,743, G>A on the plus strand (C>T on the coding strand, the complement: ZEB2 is on the minus strand). VCF-style: chr2-144389743-G-A. GRCh37 (hg19) VCF-style: chr2-145147310-G-A.
Other names: c.3281C>T, p.Pro1094Leu (NM_001171653.2); short protein forms P1094L, P1118L.
Identifiers: ClinVar variation 1306860 (VCV001306860.7), dbSNP rs780004720, ClinGen allele CA348699523.

ClinVar aggregate classification (germline): Conflicting classifications of pathogenicity. Review status: criteria provided, conflicting classifications (1 of 4 stars). 4 submissions from 4 submitters: Uncertain significance (3); Likely benign (1). Last evaluated 2025-04-05.

Conditions:
ZEB2-related disorder. Also called: ZEB2-related condition.
Mowat-Wilson syndrome (MOWS). Also called: Classic Mowat-Wilson Syndrome. Identifiers: Orphanet 2152, MedGen C1856113, MONDO:0009341, OMIM 235730.

Submissions (4):

PreventionGenetics, part of Exact Sciences
Classification: Uncertain significance for ZEB2-related condition. Last evaluated: 2025-04-05. Review status: criteria provided, single submitter. Criteria: ACMG Guidelines, 2015. Collection method: clinical testing. Allele origin: germline.
Comment: The ZEB2 c.3353C>T variant is predicted to result in the amino acid substitution p.Pro1118Leu. To our knowledge, this variant has not been reported in the literature or in a large population database (gnomAD), indicating this variant is rare. At this time, the clinical significance of this variant is uncertain due to the absence of conclusive functional and genetic evidence.

3billion
Classification: Likely benign for Mowat-Wilson syndrome. Last evaluated: 2024-09-20. Review status: criteria provided, single submitter. Criteria: ACMG Guidelines, 2015. Collection method: clinical testing. Allele origin: germline. Affected: no.
Comment: The variant was identified in at least one patient who was diagnosed with a different variant in another gene and showed no symptoms related to the gene containing the variant in question.

Labcorp Genetics (formerly Invitae), Labcorp
Classification: Uncertain significance for Mowat-Wilson syndrome. Last evaluated: 2024-06-26. Review status: criteria provided, single submitter. Criteria: Invitae Variant Classification Sherloc (09022015). Collection method: clinical testing. Allele origin: germline.
Comment: This sequence change replaces proline, which is neutral and non-polar, with leucine, which is neutral and non-polar, at codon 1118 of the ZEB2 protein (p.Pro1118Leu). This variant is not present in population databases (gnomAD no frequency). This variant has not been reported in the literature in individuals affected with ZEB2-related conditions. ClinVar contains an entry for this variant (Variation ID: 1306860). Advanced modeling of protein sequence and biophysical properties (such as structural, functional, and spatial information, amino acid conservation, physicochemical variation, residue mobility, and thermodynamic stability) performed at Invitae indicates that this missense variant is not expected to disrupt ZEB2 protein function with a negative predictive value of 80%. In summary, the available evidence is currently insufficient to determine the role of this variant in disease. Therefore, it has been classified as a Variant of Uncertain Significance.

GeneDx
Classification: Uncertain significance. Last evaluated: 2019-07-02. Review status: criteria provided, single submitter. Criteria: GeneDx Variant Classification Process June 2021. Collection method: clinical testing. Allele origin: germline. Affected: yes.
Comment: Not observed in large population cohorts (Lek et al., 2016); In silico analysis, which includes protein predictors and evolutionary conservation, supports a deleterious effect; Has not been previously published as pathogenic or benign to our knowledge